The following is an entry in ClinVar:

NC_000008.10:g.(?_100515082)_(100516199_?)del

Gene: VPS13B (vacuolar protein sorting 13 homolog B; plus strand). Cytogenetic location: 8q22.2.
Variant type: Deletion.
Identifiers: ClinVar variation 3245479 (VCV003245479.1).

ClinVar aggregate classification (germline): Likely pathogenic (1 of 4 stars; one submission).

Conditions:
Cohen syndrome (COH1). Also called: Cutis verticis gyrata, retinitis pigmentosa, and sensorineural deafness; PEPPER SYNDROME. Identifiers: Orphanet 193, MedGen C0265223, MONDO:0008999, OMIM 216550.

Submission:

Labcorp Genetics (formerly Invitae), Labcorp
Classification: Likely pathogenic for Cohen syndrome. Last evaluated: 2023-07-31. Review status: criteria provided, single submitter. Criteria: Invitae Variant Classification Sherloc (09022015). Collection method: clinical testing. Allele origin: unknown.
Comment: In summary, the currently available evidence indicates that the variant is pathogenic, but additional data are needed to prove that conclusively. Therefore, this variant has been classified as Likely Pathogenic. This variant has not been reported in the literature in individuals affected with VPS13B-related conditions. This variant results in the deletion of part of exon 27 (c.4061_4157+1021del) of the VPS13B gene. It is expected to disrupt RNA splicing. Variants that disrupt the donor or acceptor splice site typically lead to a loss of protein function (PMID: 16199547), and loss-of-function variants in VPS13B are known to be pathogenic (PMID: 15141358, 16648375, 20461111).

Literature cited by the submitters: PubMed 16199547; PubMed 15141358; PubMed 16648375; PubMed 20461111.